The following is an entry in ClinVar:

NM_001457.4(FLNB):c.7369G>A (p.Gly2457Ser)

Genes: FLNB (filamin B; plus strand), FLNB-AS1 (FLNB antisense RNA 1; minus strand). Cytogenetic location: 3p14.3.
Variant type: single nucleotide variant.
Coding change: c.7369G>A on transcript NM_001457.4 (MANE Select); coding-DNA position 7369, G replaced by A.
Protein change: p.Gly2457Ser; replaces glycine 2457 with serine.
Molecular consequence: missense variant.
Genome position (GRCh38, 1-based): chr3:58,168,610, G>A. VCF-style: chr3-58168610-G-A. GRCh37 (hg19) VCF-style: chr3-58154337-G-A.
Other names: c.7462G>A, p.Gly2488Ser (NM_001164317.2); c.7336G>A, p.Gly2446Ser (NM_001164318.2); c.7297G>A, p.Gly2433Ser (NM_001164319.2); short protein forms G2433S, G2446S, G2457S, G2488S.
Identifiers: ClinVar variation 2198311 (VCV002198311.6), dbSNP rs142229998, ClinGen allele CA2469663.
Genomic context (GRCh38, chr3:58,168,610, plus strand): 5'-GGGTACAAAGTCATGTACACCCCCATGGCTCCTGGTAACTACCTGATCAGCGTCAAATAC[G>A]GTGGGCCCAACCACATCGTGGGCAGTCCCTTCAAGGCCAAGGTGACAGGTAACGAACAAC-3'
Protein context (NP_001448.2, residues 2447-2467): PGNYLISVKY[Gly2457Ser]GPNHIVGSPF

ClinVar aggregate classification (germline): Conflicting classifications of pathogenicity. Review status: criteria provided, conflicting classifications (1 of 4 stars). 3 submissions from 3 submitters: Uncertain significance (2); Benign (1). Last evaluated 2026-03-24.

Allele frequency attached by ClinVar (database versions not stated): gnomAD exomes 0.00003; ExAC 0.00007; 1000 Genomes Project 30x 0.00016; 1000 Genomes Project 0.00020; ESP Exome Variant Server 0.00023; TOPMed 0.00023.
gnomAD v4.1: 77 of 1,614,124 alleles (0.0048%); highest among the groups gnomAD compares: African/African-American, 0.037%; no homozygotes.

Submissions (3):

Women's Health and Genetics/Laboratory Corporation of America, LabCorp
Classification: Uncertain significance. Last evaluated: 2026-03-24. Review status: criteria provided, single submitter. Criteria: LabCorp Variant Classification Summary - May 2015. Collection method: clinical testing. Allele origin: germline.
Comment: Variant summary: FLNB c.7369G>A (p.Gly2457Ser) results in a non-conservative amino acid change in the encoded protein sequence. Algorithms developed to predict the effect of missense changes on protein structure and function all suggest that this variant is likely to be disruptive. The variant allele was found at a frequency of 5.6e-05 in 251476 control chromosomes. This frequency is not significantly higher than estimated for disease-causing variants in FLNB, allowing no conclusion about variant significance. To our knowledge, no occurrence of c.7369G>A in individuals affected with FLNB-related conditions and no experimental evidence demonstrating its impact on protein function have been reported. ClinVar contains an entry for this variant (Variation ID: 2198311). Based on the evidence outlined above, the variant was classified as uncertain significance.

Labcorp Genetics (formerly Invitae), Labcorp
Classification: Benign. Last evaluated: 2025-03-04. Review status: criteria provided, single submitter. Criteria: Invitae Variant Classification Sherloc (09022015). Collection method: clinical testing. Allele origin: germline.

Blueprint Genetics
Classification: Uncertain significance. Last evaluated: 2023-10-12. Review status: criteria provided, single submitter. Criteria: ACMG Guidelines, 2015. Collection method: clinical testing. Allele origin: germline.